The following is an entry in ClinVar:

NM_201525.4(ADGRG1):c.637_655del (p.Leu212_Glu213insTer)

Gene: ADGRG1 (adhesion G protein-coupled receptor G1; plus strand). Cytogenetic location: 16q21.
Variant type: Deletion.
Coding change: c.637_655del on transcript NM_201525.4 (MANE Select); coding-DNA positions 637 to 655, 19 bases deleted (GAGTCGAAACTGACCTCTG).
Protein change: p.Leu212_Glu213insTer.
Molecular consequence: nonsense.
Genome position (GRCh38, 1-based): chr16:57,654,002-57,654,020, GAGTCGAAACTGACCTCTG deleted; deleting any 19 consecutive bases within chr16:57,653,999-57,654,020 gives the same sequence; the c. name uses the placement nearest the transcript's 3' end. VCF-style (leftmost placement, unchanged base first): chr16-57653998-CCTGGAGTCGAAACTGACCT-C. GRCh37 (hg19) VCF-style: chr16-57687910-CCTGGAGTCGAAACTGACCT-C.
Other names: c.637_655del, p.Leu212_Glu213insTer (NM_001145770.3, NM_001145771.3, NM_001145772.3 and 16 more transcripts); c.652_670del, p.Leu217_Glu218insTer (NM_001145773.3, NM_001370433.1); c.127_145del, p.Leu42_Glu43insTer (NM_001290142.2); c.112_130del, p.Leu37_Glu38insTer (NM_001290143.2, NM_001290144.2, NM_001370451.1 and 2 more transcripts); c.481_499del, p.Leu160_Glu161insTer (NM_001370442.1).
Identifiers: ClinVar variation 2874619 (VCV002874619.3), dbSNP rs2545230881, ClinGen allele CA2739265512.
Genomic context (GRCh38, chr16:57,653,998, plus strand): 5'-GGCCCGGCCCCCTCCCCACCATCACCACCGCTTTCTCCTCCCTGCCAGGCAGTTGCAGAG[CCTGGAGTCGAAACTGACCT>C]CTGTGAGATTCATGGGGGACATGGTGTCCTTCGAGGAGGACCGGATCAACGCCACGGTGT-3'

ClinVar aggregate classification (germline): Pathogenic (1 of 4 stars; one submission).

Submission:

Labcorp Genetics (formerly Invitae), Labcorp
Classification: Pathogenic. Last evaluated: 2023-06-24. Review status: criteria provided, single submitter. Criteria: Invitae Variant Classification Sherloc (09022015). Collection method: clinical testing. Allele origin: germline.
Comment: This sequence change creates a premature translational stop signal (p.Glu213*) in the ADGRG1 gene. It is expected to result in an absent or disrupted protein product. Loss-of-function variants in ADGRG1 are known to be pathogenic (PMID: 15044805, 20929962). This variant is not present in population databases (gnomAD no frequency). This variant has not been reported in the literature in individuals affected with ADGRG1-related conditions. For these reasons, this variant has been classified as Pathogenic.

Literature cited by the submitters: PubMed 15044805; PubMed 20929962.